The following is an entry in ClinVar:

NM_000038.6(APC):c.2127C>T (p.Asn709=)

Gene: APC (APC regulator of Wnt signaling pathway; plus strand). Cytogenetic location: 5q22.2.
Variant type: single nucleotide variant.
Coding change: c.2127C>T on transcript NM_000038.6 (MANE Select); coding-DNA position 2127, C replaced by T.
Protein change: p.Asn709=; no amino-acid change (asparagine 709 retained).
Molecular consequence: synonymous variant. On other transcripts: non-coding transcript variant (2).
Genome position (GRCh38, 1-based): chr5:112,837,721, C>T. VCF-style: chr5-112837721-C-T. GRCh37 (hg19) VCF-style: chr5-112173418-C-T.
Other names: c.2127C>T, p.Asn709= (NM_001127510.3, NM_001354895.2, NM_001407450.1); c.2073C>T, p.Asn691= (NM_001127511.3); c.2181C>T, p.Asn727= (NM_001354896.2, NM_001407447.1, NM_001407448.1 and 1 more transcripts); c.2157C>T, p.Asn719= (NM_001354897.2); c.2052C>T, p.Asn684= (NM_001354898.2); c.2043C>T, p.Asn681= (NM_001354899.2); c.2004C>T, p.Asn668= (NM_001354900.2); c.1950C>T, p.Asn650= (NM_001354901.2, NM_001407453.1); and 11 more.
Identifiers: ClinVar variation 2452768 (VCV002452768.3), dbSNP rs2149861241, ClinGen allele CA445963440.
Genomic context (GRCh38, chr5:112,837,721, plus strand): 5'-AAGAAATCCTAAAGACCAGGAAGCATTATGGGACATGGGGGCAGTTAGCATGCTCAAGAA[C>T]CTCATTCATTCAAAGCACAAAATGATTGCTATGGGAAGTGCTGCAGCTTTAAGGAATCTC-3'
Protein context (NP_000029.2, residues 699-719): WDMGAVSMLK[Asn709=]LIHSKHKMIA

ClinVar aggregate classification (germline): Benign/Likely benign. Review status: criteria provided, multiple submitters, no conflicts (2 of 4 stars). 3 submissions from 3 submitters: Benign (1); Likely benign (2). Last evaluated 2025-02-02.

Conditions:
Familial adenomatous polyposis 1 (FAP1). Also called: POLYPOSIS, ADENOMATOUS INTESTINAL; FAMILIAL ADENOMATOUS POLYPOSIS 1, ATTENUATED. Identifiers: MedGen C2713442, MONDO:0021056, OMIM 175100. Disease mechanism: loss of function.
Hereditary cancer-predisposing syndrome. Also called: Neoplastic Syndromes, Hereditary; Tumor predisposition; Hereditary neoplastic syndrome; Hereditary Cancer Syndrome. Identifiers: Orphanet 140162, MedGen C0027672, MeSH D009386, MONDO:0015356.

Allele frequency attached by ClinVar (database versions not stated): gnomAD exomes below 0.00001.
gnomAD v4.1: 3 of 1,614,096 alleles (0.00019%); highest among the groups gnomAD compares: Non-Finnish European, 0.00025%; no homozygotes.

Submissions (3):

Color Diagnostics, LLC DBA Color Health
Classification: Likely benign for Hereditary cancer-predisposing syndrome. Last evaluated: 2025-02-02. Review status: criteria provided, single submitter. Criteria: ACMG Guidelines, 2015. Collection method: clinical testing. Allele origin: germline.

Myriad Genetics, Inc.
Classification: Benign for Familial adenomatous polyposis 1. Last evaluated: 2024-03-08. Review status: criteria provided, single submitter. Criteria: Myriad Autosomal Dominant, Autosomal Recessive and X-Linked Classification Criteria (2023). Collection method: clinical testing. Allele origin: unknown.
Comment: This variant is considered benign. This variant is a silent/synonymous amino acid change and it is not expected to impact splicing.

Ambry Genetics
Classification: Likely benign for Hereditary cancer-predisposing syndrome. Last evaluated: 2023-03-08. Review status: criteria provided, single submitter. Criteria: Ambry Variant Classification Scheme 2023. Collection method: clinical testing. Allele origin: germline.